The following is an entry in ClinVar:

ClinVar aggregate classification (germline): Uncertain significance. Review status: criteria provided, multiple submitters, no conflicts (2 of 4 stars). 3 submissions from 3 submitters: Uncertain significance (2). 1 of the submissions does not count toward it. Last evaluated 2025-03-25.

Conditions:
MYBPC1-related disorder. Also called: MYBPC1-related condition.

Allele frequency attached by ClinVar (database versions not stated): TOPMed 0.00003; gnomAD 0.00042; 1000 Genomes Project 30x 0.00094; 1000 Genomes Project 0.00100.
gnomAD v4.1: 325 of 1,614,080 alleles (0.02%); highest among the groups gnomAD compares: African/African-American, 0.0053%; 1 homozygote.

Submissions (3):

Revvity Omics, Revvity
Classification: Uncertain significance. Last evaluated: 2025-03-25. Review status: criteria provided, single submitter. Criteria: ACMG Guidelines, 2015. Collection method: clinical testing. Allele origin: germline.

Blueprint Genetics
Classification: Uncertain significance. Last evaluated: 2024-09-24. Review status: criteria provided, single submitter. Criteria: ACMG Guidelines, 2015. Collection method: clinical testing. Allele origin: germline.

PreventionGenetics, part of Exact Sciences
Classification: Likely benign for MYBPC1-related condition. Last evaluated: 2023-01-12. Review status: no assertion criteria provided. Collection method: clinical testing. Allele origin: germline. Not counted in ClinVar's aggregate classification.
Comment: This variant is classified as likely benign based on ACMG/AMP sequence variant interpretation guidelines (Richards et al. 2015 PMID: 25741868, with internal and published modifications).

NM_002465.4(MYBPC1):c.1084G>A (p.Val362Ile)

Genes: MYBPC1 (myosin binding protein C1; plus strand), LOC105369937 (uncharacterized LOC105369937; minus strand). Cytogenetic location: 12q23.2.
Variant type: single nucleotide variant.
Coding change: c.1084G>A on transcript NM_002465.4 (MANE Select); coding-DNA position 1084, G replaced by A.
Protein change: p.Val362Ile; replaces valine 362 with isoleucine.
Molecular consequence: missense variant. On other transcripts: non-coding transcript variant (1).
Genome position (GRCh38, 1-based): chr12:101,646,881, G>A. VCF-style: chr12-101646881-G-A. GRCh37 (hg19) VCF-style: chr12-102040659-G-A.
Other names: c.1009G>A, p.Val337Ile (NM_001254718.3, NM_001254719.3, NM_206820.4 and 1 more transcripts); c.973G>A, p.Val325Ile (NM_001254720.3); c.952G>A, p.Val318Ile (NM_001254721.3, NM_001404676.1, NM_001404678.1); c.931G>A, p.Val311Ile (NM_001254722.3, NM_001404680.1); c.970G>A, p.Val324Ile (NM_001254723.3); c.1084G>A, p.Val362Ile (NM_001404675.1, NM_206819.4); c.874G>A, p.Val292Ile (NM_001404677.1, NM_001404679.1, NM_001404681.1); short protein forms V292I, V311I, V318I, V324I, V325I, V337I, V362I.
Identifiers: ClinVar variation 3048415 (VCV003048415.4), dbSNP rs190129005, ClinGen allele CA6744698.
Genomic context (GRCh38, chr12:101,646,881, plus strand): 5'-ACAGATGATTCAGAGTATTATGTGACAGCCGGTGATGAGAAATGTTCCACTGAGCTCTTC[G>A]TAAGAGGTAAAAATGAAATCTCTTATTGTGGTCACCAGGAGCTGTTGGCTTCTTCTCCCA-3'
Protein context (NP_002456.2, residues 352-372): GDEKCSTELF[Val362Ile]REPPIMVTKQ